The following is an entry in ClinVar:

ClinVar aggregate classification (germline): Benign (0 of 4 stars; one submission).

Conditions:
SMARCAD1-related disorder. Also called: SMARCAD1-related condition.

Allele frequency attached by ClinVar (database versions not stated): ExAC 0.13169; gnomAD 0.14391; ESP Exome Variant Server 0.15933; 1000 Genomes Project 0.08806; 1000 Genomes Project 30x 0.09041; TOPMed 0.13690.
gnomAD v4.1: 255,807 of 1,606,846 alleles (16%); highest among the groups gnomAD compares: Non-Finnish European, 18%; 22,573 homozygotes.

Submissions (9):

PreventionGenetics, part of Exact Sciences
Classification: Benign for SMARCAD1-related condition. Last evaluated: 2019-10-17. Review status: no assertion criteria provided. Collection method: clinical testing. Allele origin: germline.
Comment: This variant is classified as benign based on ACMG/AMP sequence variant interpretation guidelines (Richards et al. 2015 PMID: 25741868, with internal and published modifications).

Dr. Peter K. Rogan Lab, Western University
No classification provided (evidence only). Condition: Malignant lymphoma, large B-cell, diffuse. Review status: no classification provided. Collection method: in vitro. Allele origin: not applicable. Functional consequence: retained intron. Not counted in ClinVar's aggregate classification.

Dr. Peter K. Rogan Lab, Western University
No classification provided (evidence only). Condition: Malignant lymphoma, large B-cell, diffuse. Review status: no classification provided. Collection method: in vitro. Allele origin: not applicable. Functional consequence: retained intron. Not counted in ClinVar's aggregate classification.

Dr. Peter K. Rogan Lab, Western University
No classification provided (evidence only). Condition: Germ cell tumor of testis. Review status: no classification provided. Collection method: in vitro. Allele origin: not applicable. Functional consequence: retained intron. Not counted in ClinVar's aggregate classification.

Dr. Peter K. Rogan Lab, Western University
No classification provided (evidence only). Condition: Uterine carcinosarcoma. Review status: no classification provided. Collection method: in vitro. Allele origin: not applicable. Functional consequence: retained intron. Not counted in ClinVar's aggregate classification.

Dr. Peter K. Rogan Lab, Western University
No classification provided (evidence only). Condition: Uterine carcinosarcoma. Review status: no classification provided. Collection method: in vitro. Allele origin: not applicable. Functional consequence: retained intron. Not counted in ClinVar's aggregate classification.

Dr. Peter K. Rogan Lab, Western University
No classification provided (evidence only). Condition: Uterine carcinosarcoma. Review status: no classification provided. Collection method: in vitro. Allele origin: not applicable. Functional consequence: retained intron. Not counted in ClinVar's aggregate classification.

Dr. Peter K. Rogan Lab, Western University
No classification provided (evidence only). Condition: Uterine carcinosarcoma. Review status: no classification provided. Collection method: in vitro. Allele origin: not applicable. Functional consequence: retained intron. Not counted in ClinVar's aggregate classification.

Dr. Peter K. Rogan Lab, Western University
No classification provided (evidence only). Condition: Uterine carcinosarcoma. Review status: no classification provided. Collection method: in vitro. Allele origin: not applicable. Functional consequence: retained intron. Not counted in ClinVar's aggregate classification.

NM_020159.5(SMARCAD1):c.1282-4A>G

Gene: SMARCAD1 (SNF2 related chromatin remodeling ATPase with DExD box 1; plus strand). Cytogenetic location: 4q22.3.
Variant type: single nucleotide variant.
Coding change: c.1282-4A>G on transcript NM_020159.5 (MANE Select); 4 bases into the intron before coding-DNA position 1282, A replaced by G.
Molecular consequence: intron variant.
Genome position (GRCh38, 1-based): chr4:94,264,703, A>G. VCF-style: chr4-94264703-A-G. GRCh37 (hg19) VCF-style: chr4-95185854-A-G.
Other names: NC_000004.11:g.95185854A>G; c.1282-4A>G (NM_001128430.2, NM_001375855.1, NM_001375858.1 and 2 more transcripts); c.1279-4A>G (NM_001375857.1); c.-9-4A>G (NM_001375859.1, NM_001254949.2).
Identifiers: ClinVar variation 3060970 (VCV003060970.3), dbSNP rs10029551, ClinGen allele CA3013301.